The following is an entry in ClinVar:

ClinVar aggregate classification (germline): Uncertain significance (1 of 4 stars; one submission).

Submission:

GeneDx
Classification: Uncertain significance. Last evaluated: 2024-11-05. Review status: criteria provided, single submitter. Criteria: GeneDx Variant Classification Process June 2021. Collection method: clinical testing. Allele origin: germline. Affected: yes.
Comment: Not observed at significant frequency in large population cohorts (gnomAD); In silico analysis supports that this missense variant has a deleterious effect on protein structure/function; Has not been previously published as pathogenic or benign to our knowledge

NM_001366145.2(TRPM3):c.2801T>C (p.Leu934Pro)

Gene: TRPM3 (transient receptor potential cation channel subfamily M member 3; minus strand). Cytogenetic location: 9q21.12.
Variant type: single nucleotide variant.
Coding change: c.2801T>C on transcript NM_001366145.2 (MANE Select); coding-DNA position 2801, T replaced by C.
Protein change: p.Leu934Pro; replaces leucine 934 with proline.
Molecular consequence: missense variant.
Genome position (GRCh38, 1-based): chr9:70,598,666, A>G on the plus strand (T>C on the coding strand, the complement: TRPM3 is on the minus strand). VCF-style: chr9-70598666-A-G. GRCh37 (hg19) VCF-style: chr9-73213582-A-G.
Other names: c.2765T>C, p.Leu922Pro (NM_001007471.4, NM_001366151.2); c.2771T>C, p.Leu924Pro (NM_001366141.2, NM_001366143.2, NM_001366149.2); c.2807T>C, p.Leu936Pro (NM_001366142.2); c.2801T>C, p.Leu934Pro (NM_001366146.2); c.2876T>C, p.Leu959Pro (NM_001366147.2, NM_001366152.2); c.2846T>C, p.Leu949Pro (NM_001366148.2); c.2735T>C, p.Leu912Pro (NM_001366150.2); c.2342T>C, p.Leu781Pro (NM_001366154.2, NM_024971.7); and 5 more; short protein forms L759P, L769P, L771P, L781P, L784P, L794P, L912P, L922P.
Identifiers: ClinVar variation 3899004 (VCV003899004.1).